The following is an entry in ClinVar:

NM_004036.5(ADCY3):c.1999G>C (p.Gly667Arg)

Gene: ADCY3 (adenylate cyclase 3; minus strand). Cytogenetic location: 2p23.3.
Variant type: single nucleotide variant.
Coding change: c.1999G>C on transcript NM_004036.5 (MANE Select); coding-DNA position 1999, G replaced by C.
Protein change: p.Gly667Arg; replaces glycine 667 with arginine.
Molecular consequence: missense variant.
Genome position (GRCh38, 1-based): chr2:24,831,718, C>G on the plus strand (G>C on the coding strand, the complement: ADCY3 is on the minus strand). VCF-style: chr2-24831718-C-G. GRCh37 (hg19) VCF-style: chr2-25054587-C-G.
Other names: c.1999G>C, p.Gly667Arg (NM_001320613.2, NM_001377129.1, NM_001377130.1 and 1 more transcripts); c.2065G>C, p.Gly689Arg (NM_001377128.1); c.1276G>C, p.Gly426Arg (NM_001377131.1); short protein forms G426R, G667R, G689R.
Identifiers: ClinVar variation 3351133 (VCV003351133.1).
Genomic context (GRCh38, chr2:24,831,718, plus strand): 5'-TTACCCGGGGAAAGATGGCAGCCAGGGAGCAGATGGTCAGGATGAGGAGCAGAATCTCCC[C>G]CACCATGAAGGTCACATAGTTTGTCATTAGCCTGTGACAGAGAGAAGACAATTGGGAGAG-3'
Protein context (NP_004027.2, residues 657-677): LMTNYVTFMV[Gly667Arg]EILLLILTIC

ClinVar aggregate classification (germline): Uncertain significance (0 of 4 stars; one submission).

Conditions:
ADCY3-related disorder. Also called: ADCY3-related condition.

Submission:

PreventionGenetics, part of Exact Sciences
Classification: Uncertain significance for ADCY3-related condition. Last evaluated: 2023-10-27. Review status: no assertion criteria provided. Collection method: clinical testing. Allele origin: germline.
Comment: The ADCY3 c.1999G>C variant is predicted to result in the amino acid substitution p.Gly667Arg. To our knowledge, this variant has not been reported in the literature or in a large population database, indicating this variant is rare. At this time, the clinical significance of this variant is uncertain due to the absence of conclusive functional and genetic evidence.